The following is an entry in ClinVar:

ClinVar aggregate classification (germline): Pathogenic (1 of 4 stars; one submission).

Conditions:
X-linked Alport syndrome (ATS1). Also called: NEPHROPATHY AND DEAFNESS, X-LINKED; COL4A5-Related Nephropathy. Identifiers: Orphanet 63, Orphanet 88917, MedGen C4746986, MONDO:0010520, OMIM 301050.

Submission:

MVZ Medizinische Genetik Mainz
Classification: Pathogenic for X-linked Alport syndrome. Last evaluated: 2025-03-31. Review status: criteria provided, single submitter. Criteria: UK Practice Guidelines For Variant Classification V4 01 2020. Collection method: clinical testing. Allele origin: germline. Inheritance: Unknown mechanism. Affected: yes. Observed: 1 variant allele.
Comment: ACMG Criteria: PVS1,PM2_SUP,PP4

NM_033380.3(COL4A5):c.3402del (p.Ile1135fs)

Gene: COL4A5 (collagen type IV alpha 5 chain; plus strand). Cytogenetic location: Xq22.3.
Variant type: Deletion.
Coding change: c.3402del on transcript NM_033380.3 (MANE Select); coding-DNA position 3402, one base deleted (T; older notation c.3402delT).
Protein change: p.Ile1135fs; shifts the reading frame from isoleucine 1135.
Molecular consequence: frameshift variant.
Genome position (GRCh38, 1-based): chrX:108,665,535, T deleted. VCF-style (leftmost placement, unchanged base first): chrX-108665534-GT-G. GRCh37 (hg19) VCF-style: chrX-107908764-GT-G.
Other names: c.3402del, p.Ile1135fs (NM_000495.5); short protein forms I1135fs.
Identifiers: ClinVar variation 3894579 (VCV003894579.1).